The following is an entry in ClinVar:

ClinVar aggregate classification (germline): Conflicting classifications of pathogenicity. Review status: criteria provided, conflicting classifications (1 of 4 stars). 2 submissions from 2 submitters: Pathogenic (1); Uncertain significance (1). Last evaluated 2022-01-17.

Conditions:
Mucopolysaccharidosis, MPS-IV-A (MPS4A). Also called: Mucopolysaccharidosis type IV A; Mucopolysaccharidosis Type IVA; Morquio syndrome A, mild; MORQUIO SYNDROME A; MPS IVA; mucopolysaccharidosis type 4A. Identifiers: Orphanet 309297, Orphanet 582, MedGen C0086651, MONDO:0009659, OMIM 253000.

Submissions (2):

Labcorp Genetics (formerly Invitae), Labcorp
Classification: Pathogenic for Mucopolysaccharidosis, MPS-IV-A. Last evaluated: 2022-01-17. Review status: criteria provided, single submitter. Criteria: Invitae Variant Classification Sherloc (09022015). Collection method: clinical testing. Allele origin: germline.
Comment: This sequence change replaces valine, which is neutral and non-polar, with phenylalanine, which is neutral and non-polar, at codon 239 of the GALNS protein (p.Val239Phe). This variant is not present in population databases (gnomAD no frequency). This missense change has been observed in individual(s) with Morquio B (PMID: 23876334). ClinVar contains an entry for this variant (Variation ID: 1048205). Advanced modeling of protein sequence and biophysical properties (such as structural, functional, and spatial information, amino acid conservation, physicochemical variation, residue mobility, and thermodynamic stability) performed at Invitae indicates that this missense variant is expected to disrupt GALNS protein function. For these reasons, this variant has been classified as Pathogenic.

Laboratory of Diagnosis and Therapy of Lysosomal Disorders, University of Padova
Classification: Uncertain significance for Mucopolysaccharidosis, MPS-IV-A. Last evaluated: 2021-02-01. Review status: criteria provided, single submitter. Criteria: ACMG Guidelines, 2015. Collection method: curation. Allele origin: germline. Affected: yes.
Comment: In vivo functional studies supportive of a damaging effect on the gene product (low to null enzymatic activity in homozygotes; PS3_supporting); the prevalence of the variant in affected individuals is significantly increased compared with the prevalence in controls (PS4_supporting); absent from gnomAD v2.1.1 (PM2_moderate)

Literature cited by the submitters: PubMed 23876334 (cited by Labcorp Genetics (formerly Invitae), Labcorp and Laboratory of Diagnosis and Therapy of Lysosomal Disorders, University of Padova); PubMed 16287098 (cited by Laboratory of Diagnosis and Therapy of Lysosomal Disorders, University of Padova); PubMed 34387910 (cited by Laboratory of Diagnosis and Therapy of Lysosomal Disorders, University of Padova).

NM_000512.5(GALNS):c.715G>T (p.Val239Phe)

Gene: GALNS (galactosamine (N-acetyl)-6-sulfatase; minus strand). Cytogenetic location: 16q24.3.
Variant type: single nucleotide variant.
Coding change: c.715G>T on transcript NM_000512.5 (MANE Select); coding-DNA position 715, G replaced by T.
Protein change: p.Val239Phe; replaces valine 239 with phenylalanine.
Molecular consequence: missense variant.
Genome position (GRCh38, 1-based): chr16:88,835,768, C>A on the plus strand (G>T on the coding strand, the complement: GALNS is on the minus strand). VCF-style: chr16-88835768-C-A. GRCh37 (hg19) VCF-style: chr16-88902176-C-A.
Other names: c.160G>T, p.Val54Phe (NM_001323543.2); c.733G>T, p.Val245Phe (NM_001323544.2); short protein forms V239F, V245F, V54F.
Identifiers: ClinVar variation 1048205 (VCV001048205.8), dbSNP rs145131011, ClinGen allele CA397080225.